The following is an entry in ClinVar:

NM_001163560.3(MEIOB):c.527C>T (p.Ser176Leu)

Gene: MEIOB (meiosis specific with OB-fold; minus strand). Cytogenetic location: 16p13.3.
Variant type: single nucleotide variant.
Coding change: c.527C>T on transcript NM_001163560.3 (MANE Select); coding-DNA position 527, C replaced by T.
Protein change: p.Ser176Leu; replaces serine 176 with leucine.
Molecular consequence: missense variant.
Genome position (GRCh38, 1-based): chr16:1,857,736, G>A on the plus strand (C>T on the coding strand, the complement: MEIOB is on the minus strand). VCF-style: chr16-1857736-G-A. GRCh37 (hg19) VCF-style: chr16-1907737-G-A.
Other names: c.527C>T, p.Ser176Leu (NM_152764.3); short protein forms S176L.
Identifiers: ClinVar variation 786285 (VCV000786285.7), dbSNP rs114880550, ClinGen allele CA7821949.

ClinVar aggregate classification (germline): Benign. Review status: criteria provided, multiple submitters, no conflicts (2 of 4 stars). 3 submissions from 3 submitters: Benign (2). 1 of the submissions does not count toward it. Last evaluated 2019-12-31.

Conditions:
MEIOB-related disorder. Also called: MEIOB-related condition.

Allele frequency attached by ClinVar (database versions not stated): gnomAD exomes 0.00122; ExAC 0.00254; ESP Exome Variant Server 0.00613; gnomAD 0.00621; TOPMed 0.00667; 1000 Genomes Project 0.00919; 1000 Genomes Project 30x 0.01062.
gnomAD v4.1: 1,672 of 1,550,770 alleles (0.11%); highest among the groups gnomAD compares: African/African-American, 2.1%; 20 homozygotes.

Submissions (3):

Labcorp Genetics (formerly Invitae), Labcorp
Classification: Benign. Last evaluated: 2019-12-31. Review status: criteria provided, single submitter. Criteria: Invitae Variant Classification Sherloc (09022015). Collection method: clinical testing. Allele origin: germline.

Breakthrough Genomics
Classification: Benign. Review status: criteria provided, single submitter. Criteria: ACMG Guidelines, 2015. Collection method: not provided. Allele origin: germline. Inheritance: Autosomal recessive inheritance. Affected: yes.

PreventionGenetics, part of Exact Sciences
Classification: Benign for MEIOB-related condition. Last evaluated: 2019-12-11. Review status: no assertion criteria provided. Collection method: clinical testing. Allele origin: germline. Not counted in ClinVar's aggregate classification.
Comment: This variant is classified as benign based on ACMG/AMP sequence variant interpretation guidelines (Richards et al. 2015 PMID: 25741868, with internal and published modifications).